The following is an entry in ClinVar:

NM_000540.3(RYR1):c.7504A>G (p.Met2502Val)

Gene: RYR1 (ryanodine receptor 1; plus strand). Cytogenetic location: 19q13.2.
Variant type: single nucleotide variant.
Coding change: c.7504A>G on transcript NM_000540.3 (MANE Select); coding-DNA position 7504, A replaced by G.
Protein change: p.Met2502Val; replaces methionine 2502 with valine.
Molecular consequence: missense variant.
Genome position (GRCh38, 1-based): chr19:38,500,880, A>G. VCF-style: chr19-38500880-A-G. GRCh37 (hg19) VCF-style: chr19-38991520-A-G.
Other names: c.7504A>G, p.Met2502Val (NM_001042723.2); short protein forms M2502V.
Identifiers: ClinVar variation 4072829 (VCV004072829.1).

ClinVar aggregate classification (germline): Uncertain significance (1 of 4 stars; one submission).

Submission:

GeneDx
Classification: Uncertain significance. Last evaluated: 2025-02-04. Review status: criteria provided, single submitter. Criteria: GeneDx Variant Classification Process June 2021. Collection method: clinical testing. Allele origin: germline. Affected: yes.
Comment: Not observed at significant frequency in large population cohorts (gnomAD); In silico analysis supports that this missense variant has a deleterious effect on protein structure/function; Has not been previously published as pathogenic or benign to our knowledge